The following is an entry in ClinVar:

ClinVar aggregate classification (germline): Pathogenic/Likely pathogenic. Review status: criteria provided, multiple submitters, no conflicts (2 of 4 stars). 2 submissions from 2 submitters: Pathogenic (1); Likely pathogenic (1). Last evaluated 2024-03-11.

Conditions:
Marfan syndrome (MFS). Also called: MARFAN SYNDROME, TYPE I; Marfan syndrome type 1; Marfan's syndrome; Marfan syndrome, classic; FBN1-Related Marfan Syndrome. Identifiers: Orphanet 284963, Orphanet 558, MedGen C0024796, MONDO:0007947, OMIM 154700.
Familial thoracic aortic aneurysm and aortic dissection (TAAD). Also called: Thoracic aortic aneurysms and dissections. Identifiers: Orphanet 91387, MedGen C4707243, MONDO:0019625.

Submissions (2):

Labcorp Genetics (formerly Invitae), Labcorp
Classification: Pathogenic for Marfan syndrome; Familial thoracic aortic aneurysm and aortic dissection. Last evaluated: 2024-03-11. Review status: criteria provided, single submitter. Criteria: Invitae Variant Classification Sherloc (09022015). Collection method: clinical testing. Allele origin: germline.
Comment: This sequence change creates a premature translational stop signal (p.Leu2815Serfs*31) in the FBN1 gene. While this is not anticipated to result in nonsense mediated decay, it is expected to disrupt the last 57 amino acid(s) of the FBN1 protein. This variant is not present in population databases (gnomAD no frequency). This variant has not been reported in the literature in individuals affected with FBN1-related conditions. This variant disrupts a region of the FBN1 protein in which other variant(s) (p.Gln2867*) have been determined to be pathogenic (PMID: 19293843). This suggests that this is a clinically significant region of the protein, and that variants that disrupt it are likely to be disease-causing. For these reasons, this variant has been classified as Pathogenic.

3billion
Classification: Likely pathogenic for Marfan syndrome. Last evaluated: 2024-01-11. Review status: criteria provided, single submitter. Criteria: ACMG Guidelines, 2015. Collection method: clinical testing. Allele origin: germline. Affected: yes.
Comment: The variant is not observed in the gnomAD v2.1.1 dataset. Predicted Consequence/Location: Frameshift: predicted to result in a loss or disruption of normal protein function through protein truncation. Multiple pathogenic variants are reported in the predicted truncated region. Therefore, this variant is classified as Likely pathogenic according to the recommendation of ACMG/AMP guideline.

Literature cited by the submitters: PubMed 19293843 (cited by Labcorp Genetics (formerly Invitae), Labcorp).

NM_000138.5(FBN1):c.8443del (p.Leu2815fs)

Gene: FBN1 (fibrillin 1; minus strand). Cytogenetic location: 15q21.1.
Variant type: Deletion.
Coding change: c.8443del on transcript NM_000138.5 (MANE Select); coding-DNA position 8443, one base deleted (C; older notation c.8443delC).
Protein change: p.Leu2815fs; shifts the reading frame from leucine 2815.
Molecular consequence: frameshift variant.
Genome position (GRCh38, 1-based): chr15:48,411,163, G deleted on the plus strand (C on the coding strand, the reverse complement: FBN1 is on the minus strand); the first of 2 consecutive G bases (chr15:48,411,163-48,411,164); deleting either gives the same sequence. VCF-style (leftmost placement, unchanged base first): chr15-48411162-AG-A. GRCh37 (hg19) VCF-style: chr15-48703359-AG-A.
Other names: c.8443del, p.Leu2815fs (NM_001406716.1); short protein forms L2815fs.
Identifiers: ClinVar variation 3754894 (VCV003754894.3).